The following is an entry in ClinVar:

ClinVar aggregate classification (germline): Uncertain significance. Review status: criteria provided, multiple submitters, no conflicts (2 of 4 stars). 2 submissions from 2 submitters: Uncertain significance (2). Last evaluated 2022-08-16.

Conditions:
Inborn genetic diseases. Identifiers: MedGen C0950123, MeSH D030342.

Allele frequency attached by ClinVar (database versions not stated): ExAC 0.00004.
gnomAD v4.1: 66 of 1,613,352 alleles (0.0041%); highest among the groups gnomAD compares: Non-Finnish European, 0.005%; no homozygotes.

Submissions (2):

Labcorp Genetics (formerly Invitae), Labcorp
Classification: Uncertain significance. Last evaluated: 2022-08-16. Review status: criteria provided, single submitter. Criteria: Invitae Variant Classification Sherloc (09022015). Collection method: clinical testing. Allele origin: germline.
Comment: This sequence change replaces isoleucine, which is neutral and non-polar, with leucine, which is neutral and non-polar, at codon 150 of the CERKL protein (p.Ile150Leu). This variant is present in population databases (rs747750656, gnomAD 0.004%). This variant has not been reported in the literature in individuals affected with CERKL-related conditions. Algorithms developed to predict the effect of missense changes on protein structure and function output the following: SIFT: "Tolerated"; PolyPhen-2: "Benign"; Align-GVGD: "Class C0". The leucine amino acid residue is found in multiple mammalian species, which suggests that this missense change does not adversely affect protein function. In summary, the available evidence is currently insufficient to determine the role of this variant in disease. Therefore, it has been classified as a Variant of Uncertain Significance.

Ambry Genetics
Classification: Uncertain significance for Inborn genetic diseases. Last evaluated: 2022-07-12. Review status: criteria provided, single submitter. Criteria: Ambry Variant Classification Scheme 2023. Collection method: clinical testing. Allele origin: germline.

NM_201548.5(CERKL):c.448A>C (p.Ile150Leu)

Gene: CERKL (CERK like autophagy regulator; minus strand). Cytogenetic location: 2q31.3.
Variant type: single nucleotide variant.
Coding change: c.448A>C on transcript NM_201548.5 (MANE Select); coding-DNA position 448, A replaced by C.
Protein change: p.Ile150Leu; replaces isoleucine 150 with leucine.
Molecular consequence: missense variant. On other transcripts: non-coding transcript variant (2).
Genome position (GRCh38, 1-based): chr2:181,603,870, T>G on the plus strand (A>C on the coding strand, the complement: CERKL is on the minus strand). VCF-style: chr2-181603870-T-G. GRCh37 (hg19) VCF-style: chr2-182468597-T-G.
Other names: c.448A>C, p.Ile150Leu (NM_001030311.3, NM_001030312.3, NM_001030313.3 and 3 more transcripts); short protein forms I150L.
Identifiers: ClinVar variation 2041737 (VCV002041737.2), dbSNP rs747750656, ClinGen allele CA2010842.
Genomic context (GRCh38, chr2:181,603,870, plus strand): 5'-TTAAAATTTCCCATGAGGAGTACTTACCTGCCAATATTTTCTTGAACTGTCTAAACCATA[T>G]GTCACAGTGGTCTTCACTTAAATTAATAAGATCAAGTGTAGAATTCTTTAGTTTATTTTG-3'
Protein context (NP_963842.1, residues 140-160): LINLSEDHCD[Ile150Leu]WFRQFKKILA